The following is an entry in ClinVar:

ClinVar aggregate classification (germline): Uncertain significance (1 of 4 stars; one submission).

Submission:

Labcorp Genetics (formerly Invitae), Labcorp
Classification: Uncertain significance. Last evaluated: 2021-10-07. Review status: criteria provided, single submitter. Criteria: Invitae Variant Classification Sherloc (09022015). Collection method: clinical testing. Allele origin: germline.
Comment: This sequence change affects codon 311 of the OPN1SW mRNA. It is a 'silent' change, meaning that it does not change the encoded amino acid sequence of the OPN1SW protein. This variant is not present in population databases (ExAC no frequency). This variant has not been reported in the literature in individuals affected with OPN1SW-related conditions. Algorithms developed to predict the effect of sequence changes on RNA splicing suggest that this variant may create or strengthen a splice site. In summary, the available evidence is currently insufficient to determine the role of this variant in disease. Therefore, it has been classified as a Variant of Uncertain Significance.

NM_001385125.1(OPN1SW):c.924A>G (p.Gln308=)

Genes: CALU (calumenin; plus strand), OPN1SW (opsin 1, short wave sensitive; minus strand). Cytogenetic location: 7q32.1.
Variant type: single nucleotide variant.
Coding change: c.924A>G on transcript NM_001385125.1 (MANE Select); coding-DNA position 924, A replaced by G.
Protein change: p.Gln308=; no amino-acid change (glutamine 308 retained).
Molecular consequence: synonymous variant. On other transcripts: 3 prime UTR variant (5), non-coding transcript variant (1).
Genome position (GRCh38, 1-based): chr7:128,772,654, T>C on the plus strand (A>G on the coding strand, the complement: OPN1SW is on the minus strand). VCF-style: chr7-128772654-T-C. GRCh37 (hg19) VCF-style: chr7-128412708-T-C.
Other names: c.*3487T>C (NM_001130674.3, NM_001199671.2, NM_001199672.2 and 1 more transcripts); c.*3560T>C (NM_001199673.2).
Identifiers: ClinVar variation 1398261 (VCV001398261.6), dbSNP rs2128885337, ClinGen allele CA457568050.